The following is an entry in ClinVar:

ClinVar aggregate classification (germline): Uncertain significance (1 of 4 stars; one submission).

Conditions:
MHC class II deficiency. Also called: Bare lymphocyte syndrome 2; BLS, TYPE II. Identifiers: Orphanet 572, MedGen C5447452, MONDO:0008855.

gnomAD v4.1: 3 of 1,612,216 alleles (0.00019%); highest among the groups gnomAD compares: Non-Finnish European, 0.00025%; no homozygotes.

Submission:

Labcorp Genetics (formerly Invitae), Labcorp
Classification: Uncertain significance for MHC class II deficiency. Last evaluated: 2021-08-31. Review status: criteria provided, single submitter. Criteria: Invitae Variant Classification Sherloc (09022015). Collection method: clinical testing. Allele origin: germline.
Comment: This sequence change replaces arginine with leucine at codon 548 of the CIITA protein (p.Arg548Leu). The arginine residue is highly conserved and there is a moderate physicochemical difference between arginine and leucine. This variant is not present in population databases (ExAC no frequency). This variant has not been reported in the literature in individuals affected with CIITA-related conditions. Algorithms developed to predict the effect of missense changes on protein structure and function (SIFT, PolyPhen-2, Align-GVGD) all suggest that this variant is likely to be disruptive. In summary, the available evidence is currently insufficient to determine the role of this variant in disease. Therefore, it has been classified as a Variant of Uncertain Significance.

NM_000246.4(CIITA):c.1643G>T (p.Arg548Leu)

Gene: CIITA (class II major histocompatibility complex transactivator; plus strand). Cytogenetic location: 16p13.13.
Variant type: single nucleotide variant.
Coding change: c.1643G>T on transcript NM_000246.4 (MANE Select); coding-DNA position 1643, G replaced by T.
Protein change: p.Arg548Leu; replaces arginine 548 with leucine.
Molecular consequence: missense variant. On other transcripts: intron variant (1).
Genome position (GRCh38, 1-based): chr16:10,907,135, G>T. VCF-style: chr16-10907135-G-T. GRCh37 (hg19) VCF-style: chr16-11000992-G-T.
Other names: c.1646G>T, p.Arg549Leu (NM_001286402.1, NM_001379332.1); c.1499G>T, p.Arg500Leu (NM_001379330.1); c.1496G>T, p.Arg499Leu (NM_001379331.1); c.1643G>T, p.Arg548Leu (NM_001379333.1); c.1574G>T, p.Arg525Leu (NM_001379334.1); c.860-1848G>T (NM_001286403.2); short protein forms R548L, R549L, R499L, R500L, R525L.
Identifiers: ClinVar variation 576863 (VCV000576863.6), dbSNP rs376916824, ClinGen allele CA394731332.